The following is an entry in ClinVar:

ClinVar aggregate classification (germline): Uncertain significance (1 of 4 stars; one submission).

gnomAD v4.1: 2 of 1,614,196 alleles (0.00012%); highest among the groups gnomAD compares: Non-Finnish European, 0.00017%; no homozygotes.

Submission:

Labcorp Genetics (formerly Invitae), Labcorp
Classification: Uncertain significance. Last evaluated: 2024-09-30. Review status: criteria provided, single submitter. Criteria: Invitae Variant Classification Sherloc (09022015). Collection method: clinical testing. Allele origin: germline.
Comment: This sequence change replaces arginine, which is basic and polar, with serine, which is neutral and polar, at codon 736 of the ARHGAP31 protein (p.Arg736Ser). This variant is not present in population databases (gnomAD no frequency). This variant has not been reported in the literature in individuals affected with ARHGAP31-related conditions. An algorithm developed to predict the effect of missense changes on protein structure and function (PolyPhen-2) suggests that this variant is likely to be tolerated. In summary, the available evidence is currently insufficient to determine the role of this variant in disease. Therefore, it has been classified as a Variant of Uncertain Significance.

NM_020754.4(ARHGAP31):c.2208A>T (p.Arg736Ser)

Gene: ARHGAP31 (Rho GTPase activating protein 31; plus strand). Cytogenetic location: 3q13.33.
Variant type: single nucleotide variant.
Coding change: c.2208A>T on transcript NM_020754.4 (MANE Select); coding-DNA position 2208, A replaced by T.
Protein change: p.Arg736Ser; replaces arginine 736 with serine.
Molecular consequence: missense variant.
Genome position (GRCh38, 1-based): chr3:119,414,137, A>T. VCF-style: chr3-119414137-A-T. GRCh37 (hg19) VCF-style: chr3-119132984-A-T.
Other names: short protein forms R736S.
Identifiers: ClinVar variation 3721911 (VCV003721911.2).
Genomic context (GRCh38, chr3:119,414,137, plus strand): 5'-GGTGTGGACTAGGGATCCAGCCAATCAGAGCACACAGGGGGCTTCCACAGCAGCCAGCAG[A>T]GAGAAGCCGGAACCTGAGCAGGGCCTGCACCCAGACCTCGCCAGCCTGGCTCCTCTGGAA-3'
Protein context (NP_065805.2, residues 726-746): STQGASTAAS[Arg736Ser]EKPEPEQGLH